The following is an entry in ClinVar:

ClinVar aggregate classification (germline): Likely pathogenic (1 of 4 stars; one submission).

Submission:

CeGaT Center for Human Genetics Tuebingen
Classification: Likely pathogenic. Last evaluated: 2024-12-01. Review status: criteria provided, single submitter. Criteria: CeGaT Center For Human Genetics Tuebingen Variant Classification Criteria Version 2. Collection method: clinical testing. Allele origin: germline. Affected: yes. Observed: 2 variant alleles.
Comment: ATP1A2: PM2, PM4, PS3:Supporting, PS4:Supporting

NM_000702.4(ATP1A2):c.3061T>C (p.Ter1021Arg)

Gene: ATP1A2 (ATPase Na+/K+ transporting subunit alpha 2; plus strand). Cytogenetic location: 1q23.2.
Variant type: single nucleotide variant.
Coding change: c.3061T>C on transcript NM_000702.4 (MANE Select); coding-DNA position 3061, T replaced by C.
Protein change: p.Ter1021Arg.
Molecular consequence: stop lost.
Genome position (GRCh38, 1-based): chr1:160,141,320, T>C. VCF-style: chr1-160141320-T-C. GRCh37 (hg19) VCF-style: chr1-160111110-T-C.
Identifiers: ClinVar variation 3234579 (VCV003234579.20), dbSNP rs2524903070, ClinGen allele CA343257925.